The following is an entry in ClinVar:

ClinVar aggregate classification (germline): Benign. Review status: criteria provided, multiple submitters, no conflicts (2 of 4 stars). 2 submissions from 2 submitters: Benign (2). Last evaluated 2017-04-27.

Conditions:
Intellectual developmental disorder, autosomal recessive 1. Also called: Intellectual disability, autosomal recessive 1; MENTAL RETARDATION, AUTOSOMAL RECESSIVE 1. Identifiers: Orphanet 88616, MedGen C1855304, MONDO:0009580, OMIM 249500.

Allele frequency attached by ClinVar (database versions not stated): 1000 Genomes Project 30x 0.00765; 1000 Genomes Project 0.00779; TOPMed 0.00952; gnomAD 0.00851 and 0.00910.

Submissions (2):

Illumina Laboratory Services, Illumina
Classification: Benign for Intellectual developmental disorder, autosomal recessive 1. Last evaluated: 2017-04-27. Review status: criteria provided, single submitter. Criteria: ICSL Variant Classification Criteria 13 December 2019. Collection method: clinical testing. Allele origin: germline.
Comment: This variant was observed as part of a predisposition screen in an ostensibly healthy population. A literature search was performed for the gene, cDNA change, and amino acid change (where applicable). No publications were found based on this search. Allele frequency data from public databases was too high to be consistent with this variant causing disease. Therefore, this variant is classified as benign.

Breakthrough Genomics
Classification: Benign. Review status: criteria provided, single submitter. Criteria: ACMG Guidelines, 2015. Collection method: not provided. Allele origin: germline. Inheritance: Autosomal recessive inheritance. Affected: yes.

NM_003619.4(PRSS12):c.*1595A>G

Gene: PRSS12 (serine protease 12; minus strand). Cytogenetic location: 4q26.
Variant type: single nucleotide variant.
Coding change: c.*1595A>G on transcript NM_003619.4 (MANE Select); 1595 bases downstream of the stop codon, A replaced by G.
Molecular consequence: 3 prime UTR variant.
Genome position (GRCh38, 1-based): chr4:118,280,341, T>C on the plus strand (A>G on the coding strand, the complement: PRSS12 is on the minus strand). VCF-style: chr4-118280341-T-C. GRCh37 (hg19) VCF-style: chr4-119201496-T-C.
Identifiers: ClinVar variation 902340 (VCV000902340.5), dbSNP rs145858385, ClinGen allele CA11835437.
Genomic context (GRCh38, chr4:118,280,341, plus strand): 5'-CATTTTTCTCACCTATATTGCACGTTTTTCTGAAGCCCTTGTGCAAGTGTGTGTGCCATG[T>C]GTAGTTCTATTTACATATAAACGCTACTTTAAAAGTTTATCAAAATCATGAGTTTTTACA-3'